The following is an entry in ClinVar:

NC_000022.11:g.40345805T>C

Gene: ADSL (adenylosuccinate lyase; plus strand). Cytogenetic location: 22q13.1.
Variant type: single nucleotide variant.
Genome position: GRCh38 VCF-style: chr22-40345805-T-C. GRCh37 (hg19) VCF-style: chr22-40741809-T-C.
Identifiers: ClinVar variation 1475437 (VCV001475437.7), dbSNP rs2146608408, ClinGen allele CA2573158334.
Genomic context (GRCh38, chr22:40,345,805, plus strand): 5'-CTCAGCCTCACAAGTAGCTGAGACTACAGGTACAGGCCGCCATGCCCGACTAATTTTTTG[T>C]ATTTTAGTAGAGACAGGGTTTCACGTGTTGCCCAGGCTGGTCTCAAACTCCTAAGCTCAG-3'

ClinVar aggregate classification (germline): Uncertain significance (1 of 4 stars; one submission).

Conditions:
Adenylosuccinate lyase deficiency (ADSLD). Also called: ADSL DEFICIENCY. Identifiers: Orphanet 46, MedGen C0268126, MONDO:0007068, OMIM 103050.

Submission:

Labcorp Genetics (formerly Invitae), Labcorp
Classification: Uncertain significance for Adenylosuccinate lyase deficiency. Last evaluated: 2022-07-11. Review status: criteria provided, single submitter. Criteria: Invitae Variant Classification Sherloc (09022015). Collection method: clinical testing. Allele origin: germline.
Comment: This variant occurs in a non-coding region of the ADSL gene. It does not change the encoded amino acid sequence of the ADSL protein. This variant is not present in population databases (gnomAD no frequency). This variant has not been reported in the literature in individuals affected with ADSL-related conditions. Experimental studies and prediction algorithms are not available or were not evaluated, and the functional significance of this variant is currently unknown. In summary, the available evidence is currently insufficient to determine the role of this variant in disease. Therefore, it has been classified as a Variant of Uncertain Significance.